The following is an entry in ClinVar:

NR_003051.4(RMRP):n.2G>C

Gene: RMRP (RNA component of mitochondrial RNA processing endoribonuclease; minus strand). Cytogenetic location: 9p13.3.
Variant type: single nucleotide variant.
Genome position: GRCh38 VCF-style: chr9-35658018-C-G. GRCh37 (hg19) VCF-style: chr9-35658015-C-G.
Identifiers: ClinVar variation 1051016 (VCV001051016.5), dbSNP rs773520232, ClinGen allele CA464451102.

ClinVar aggregate classification (germline): Uncertain significance. Review status: criteria provided, single submitter (1 of 4 stars). 2 submissions from 2 submitters: Uncertain significance (1). 1 of the submissions does not count toward it. Last evaluated 2022-02-08.

Conditions:
Anauxetic dysplasia. Identifiers: Orphanet 93347, MedGen C1846796, MONDO:0011773.
Metaphyseal chondrodysplasia, McKusick type (CHH). Also called: Cartilage-hair hypoplasia; Cartilage-Hair Hypoplasia (CHH). Identifiers: Orphanet 175, MedGen C0220748, MONDO:0009595, OMIM 250250.

gnomAD v4.1: 4 of 690,004 alleles (0.00058%); highest among the groups gnomAD compares: African/African-American, 0.0018%; no homozygotes.

Submissions (2):

Labcorp Genetics (formerly Invitae), Labcorp
Classification: Uncertain significance for Anauxetic dysplasia. Last evaluated: 2022-02-08. Review status: criteria provided, single submitter. Criteria: Invitae Variant Classification Sherloc (09022015). Collection method: clinical testing. Allele origin: germline.
Comment: This variant occurs in the RMRP gene, which encodes an RNA molecule that does not result in a protein product. This variant is not present in population databases (gnomAD no frequency). This variant has not been reported in the literature in individuals affected with RMRP-related conditions. ClinVar contains an entry for this variant (Variation ID: 1051016). Experimental studies and prediction algorithms are not available or were not evaluated, and the functional significance of this variant is currently unknown. In summary, the available evidence is currently insufficient to determine the role of this variant in disease. Therefore, it has been classified as a Variant of Uncertain Significance.

Natera, Inc.
Classification: Uncertain significance for Cartilage-hair hypoplasia. Last evaluated: 2020-03-11. Review status: no assertion criteria provided. Collection method: clinical testing. Allele origin: germline. Not counted in ClinVar's aggregate classification.